The following is an entry in ClinVar:

ClinVar aggregate classification (germline): Uncertain significance. Review status: criteria provided, multiple submitters, no conflicts (2 of 4 stars). 2 submissions from 2 submitters: Uncertain significance (2). Last evaluated 2024-02-20.

Allele frequency attached by ClinVar (database versions not stated): gnomAD 0.00003; TOPMed 0.00004.
gnomAD v4.1: 8 of 1,613,550 alleles (0.0005%); highest among the groups gnomAD compares: African/African-American, 0.0093%; no homozygotes.

Submissions (2):

Women's Health and Genetics/Laboratory Corporation of America, LabCorp
Classification: Uncertain significance. Last evaluated: 2024-02-20. Review status: criteria provided, single submitter. Criteria: LabCorp Variant Classification Summary - May 2015. Collection method: clinical testing. Allele origin: germline.
Comment: Variant summary: STAG1 c.2185A>C (p.Met729Leu) results in a conservative amino acid change in the encoded protein sequence. Four of five in-silico tools predict a benign effect of the variant on protein function. The variant allele was found at a frequency of 1.2e-05 in 251336 control chromosomes. The available data on variant occurrences in the general population are insufficient to allow any conclusion about variant significance. To our knowledge, no occurrence of c.2185A>C in individuals affected with Mental Retardation, Autosomal Dominant 47 and no experimental evidence demonstrating its impact on protein function have been reported. No submitters have cited clinical-significance assessments for this variant to ClinVar. Based on the evidence outlined above, the variant was classified as uncertain significance.

Labcorp Genetics (formerly Invitae), Labcorp
Classification: Uncertain significance. Last evaluated: 2023-12-19. Review status: criteria provided, single submitter. Criteria: Invitae Variant Classification Sherloc (09022015). Collection method: clinical testing. Allele origin: germline.
Comment: This sequence change replaces methionine, which is neutral and non-polar, with leucine, which is neutral and non-polar, at codon 729 of the STAG1 protein (p.Met729Leu). This variant is present in population databases (rs777839037, gnomAD 0.02%). This variant has not been reported in the literature in individuals affected with STAG1-related conditions. Advanced modeling of protein sequence and biophysical properties (such as structural, functional, and spatial information, amino acid conservation, physicochemical variation, residue mobility, and thermodynamic stability) performed at Invitae indicates that this missense variant is not expected to disrupt STAG1 protein function with a negative predictive value of 80%. In summary, the available evidence is currently insufficient to determine the role of this variant in disease. Therefore, it has been classified as a Variant of Uncertain Significance.

NM_005862.3(STAG1):c.2185A>C (p.Met729Leu)

Gene: STAG1 (STAG1 cohesin complex component; minus strand). Cytogenetic location: 3q22.3.
Variant type: single nucleotide variant.
Coding change: c.2185A>C on transcript NM_005862.3 (MANE Select); coding-DNA position 2185, A replaced by C.
Protein change: p.Met729Leu; replaces methionine 729 with leucine.
Molecular consequence: missense variant.
Genome position (GRCh38, 1-based): chr3:136,417,896, T>G on the plus strand (A>C on the coding strand, the complement: STAG1 is on the minus strand). VCF-style: chr3-136417896-T-G. GRCh37 (hg19) VCF-style: chr3-136136738-T-G.
Other names: short protein forms M729L.
Identifiers: ClinVar variation 2873734 (VCV002873734.5), dbSNP rs777839037, ClinGen allele CA2632685.